The following is an entry in ClinVar:

ClinVar aggregate classification (germline): Uncertain significance. Review status: criteria provided, multiple submitters, no conflicts (2 of 4 stars). 2 submissions from 2 submitters: Uncertain significance (2). Last evaluated 2025-03-18.

Conditions:
Inborn genetic diseases. Identifiers: MedGen C0950123, MeSH D030342.
Mosaic variegated aneuploidy syndrome 2 (MVA2). Identifiers: Orphanet 1052, MedGen C3279843, MONDO:0013582, OMIM 614114.

Allele frequency attached by ClinVar (database versions not stated): gnomAD 0.00001.
gnomAD v4.1: 6 of 1,612,812 alleles (0.00037%); highest among the groups gnomAD compares: Middle Eastern, 0.018%; no homozygotes.

Submissions (2):

Ambry Genetics
Classification: Uncertain significance for Inborn genetic diseases. Last evaluated: 2025-03-18. Review status: criteria provided, single submitter. Criteria: Ambry Variant Classification Scheme 2023. Collection method: clinical testing. Allele origin: germline.
Comment: The p.N255Y variant (also known as c.763A>T), located in coding exon 7 of the CEP57 gene, results from an A to T substitution at nucleotide position 763. The asparagine at codon 255 is replaced by tyrosine, an amino acid with dissimilar properties. This amino acid position is conserved. In addition, this alteration is predicted to be tolerated by in silico analysis. Based on the available evidence, the clinical significance of this variant remains unclear.

Labcorp Genetics (formerly Invitae), Labcorp
Classification: Uncertain significance for Mosaic variegated aneuploidy syndrome 2. Last evaluated: 2022-03-11. Review status: criteria provided, single submitter. Criteria: Invitae Variant Classification Sherloc (09022015). Collection method: clinical testing. Allele origin: germline.
Comment: In summary, the available evidence is currently insufficient to determine the role of this variant in disease. Therefore, it has been classified as a Variant of Uncertain Significance. Algorithms developed to predict the effect of missense changes on protein structure and function (SIFT, PolyPhen-2, Align-GVGD) all suggest that this variant is likely to be tolerated. This variant has not been reported in the literature in individuals affected with CEP57-related conditions. This variant is not present in population databases (gnomAD no frequency). This sequence change replaces asparagine, which is neutral and polar, with tyrosine, which is neutral and polar, at codon 255 of the CEP57 protein (p.Asn255Tyr).

NM_014679.5(CEP57):c.763A>T (p.Asn255Tyr)

Gene: CEP57 (centrosomal protein 57; plus strand). Cytogenetic location: 11q21.
Variant type: single nucleotide variant.
Coding change: c.763A>T on transcript NM_014679.5 (MANE Select); coding-DNA position 763, A replaced by T.
Protein change: p.Asn255Tyr; replaces asparagine 255 with tyrosine.
Molecular consequence: missense variant.
Genome position (GRCh38, 1-based): chr11:95,821,934, A>T. VCF-style: chr11-95821934-A-T. GRCh37 (hg19) VCF-style: chr11-95555098-A-T.
Other names: c.736A>T, p.Asn246Tyr (NM_001243776.2); c.763A>T, p.Asn255Tyr (NM_001243777.2); c.682A>T, p.Asn228Tyr (NM_001363604.2); c.763A>T (NM_014679.4); short protein forms N228Y, N255Y, N246Y.
Identifiers: ClinVar variation 2158275 (VCV002158275.5), dbSNP rs1001489205, ClinGen allele CA226582526.